The following is an entry in ClinVar:

NM_005121.3(MED13):c.3974A>T (p.Asp1325Val)

Gene: MED13 (mediator complex subunit 13; minus strand). Cytogenetic location: 17q23.2.
Variant type: single nucleotide variant.
Coding change: c.3974A>T on transcript NM_005121.3 (MANE Select); coding-DNA position 3974, A replaced by T.
Protein change: p.Asp1325Val; replaces aspartic acid 1325 with valine.
Molecular consequence: missense variant.
Genome position (GRCh38, 1-based): chr17:61,968,252, T>A on the plus strand (A>T on the coding strand, the complement: MED13 is on the minus strand). VCF-style: chr17-61968252-T-A. GRCh37 (hg19) VCF-style: chr17-60045613-T-A.
Other names: short protein forms D1325V.
Identifiers: ClinVar variation 3573582 (VCV003573582.1).
Genomic context (GRCh38, chr17:61,968,252, plus strand): 5'-AGATAATCATAATCATAACCCAACAAAAATGTGGGGATTGGCAGTGGTTCTGGGGATTCA[T>A]CAGTTCCTAAATAAGAAAGATGTATTTTAAGAAAACACTTAAAAACAAGACATGTCTCCT-3'
Protein context (NP_005112.2, residues 1315-1335): KMAGRGSYGT[Asp1325Val]ESPEPLPIPT

ClinVar aggregate classification (germline): Uncertain significance (1 of 4 stars; one submission).

Submission:

GeneDx
Classification: Uncertain significance. Last evaluated: 2024-07-15. Review status: criteria provided, single submitter. Criteria: GeneDx Variant Classification Process June 2021. Collection method: clinical testing. Allele origin: germline. Affected: yes.
Comment: Not observed at significant frequency in large population cohorts (gnomAD); In silico analysis supports that this missense variant has a deleterious effect on protein structure/function; Has not been previously published as pathogenic or benign to our knowledge